The following is an entry in ClinVar:

ClinVar aggregate classification (germline): Uncertain significance. Review status: reviewed by expert panel (3 of 4 stars). 2 submissions from 2 submitters: Uncertain significance (1). 1 of the submissions does not count toward it. Last evaluated 2024-01-22.

Conditions:
Mitochondrial disease. Also called: Mitochondrial disorder; Mitochondrial disorders. Identifiers: Orphanet 68380, MedGen C0751651, MeSH D028361, MONDO:0044970.

Submissions (2):

ClinGen Mitochondrial Disease Nuclear and Mitochondrial  Variant Curation Expert Panel, ClinGen
Classification: Uncertain significance for Mitochondrial disease. Last evaluated: 2024-01-22. Review status: reviewed by expert panel. Criteria: clingen mito disease acmg specifications v1-1. Collection method: curation. Allele origin: germline. Inheritance: Mitochondrial inheritance.
Comment: Single fiber testing showed higher levels of the variant in COX deficient fibers (>90%) than in COX positive fibers (<52%; PS3_supporting, PMID: 14733964). This variant is absent in the GenBank dataset, Helix dataset, and gnomAD v3.1.2 (PM2_supporting). The computational predictor APOGEE suggests this variant is pathogenic (0.71, range 0-1; PP3). In summary, this variant meets criteria to be classified as uncertain significance for primary mitochondrial disease inherited in a mitochondrial manner. This classification was approved by the NICHD/NINDS U24 ClinGen Mitochondrial Disease Variant Curation Expert Panel on January 22, 2024. Mitochondrial DNA-specific ACMG/AMP criteria applied (PMID: 32906214): PS3_supporting, PM2_supporting, PP3.

Mitochondrial Research Group, Newcastle University
Classification: Pathogenic for Mitochondrial disease. Last evaluated: 2017-05-22. Review status: no assertion criteria provided. Collection method: clinical testing. Allele origin: germline. Affected: yes. Observed: 1 variant allele. Not counted in ClinVar's aggregate classification.

Literature cited by the submitters: PubMed 14733964 (cited by ClinGen Mitochondrial Disease Nuclear and Mitochondrial  Variant Curation Expert Panel, ClinGen).

NC_012920.1(MT-CO2):m.7989T>C

Gene: MT-CO2 (mitochondrially encoded cytochrome c oxidase II; plus strand).
Variant type: single nucleotide variant.
Genome position: chrM-7989-T-C.
Identifiers: ClinVar variation 430690 (VCV000430690.3), dbSNP rs1131692064, ClinGen allele CA414794543.